The following is an entry in ClinVar:

ClinVar aggregate classification (germline): Uncertain significance. Review status: criteria provided, multiple submitters, no conflicts (2 of 4 stars). 3 submissions from 3 submitters: Uncertain significance (2). 1 of the submissions does not count toward it. Last evaluated 2023-05-05.

Conditions:
Carnitine palmitoyl transferase 1A deficiency. Also called: Carnitine palmitoyltransferase 1A deficiency; Carnitine palmitoyltransferase type I deficiency; CPT I DEFICIENCY; CPT DEFICIENCY, HEPATIC, TYPE I; CPT deficiency, hepatic, type IA. Identifiers: Orphanet 156, MedGen C1829703, MONDO:0009705, OMIM 255120.

Allele frequency attached by ClinVar (database versions not stated): gnomAD exomes below 0.00001; TOPMed 0.00001; ExAC 0.00002.
gnomAD v4.1: 1 of 1,602,200 alleles (0.000062%); highest among the groups gnomAD compares: South Asian, 0.0011%; no homozygotes.

Submissions (3):

Women's Health and Genetics/Laboratory Corporation of America, LabCorp
Classification: Uncertain significance. Last evaluated: 2023-05-05. Review status: criteria provided, single submitter. Criteria: LabCorp Variant Classification Summary - May 2015. Collection method: clinical testing. Allele origin: germline.

Labcorp Genetics (formerly Invitae), Labcorp
Classification: Uncertain significance for Carnitine palmitoyl transferase 1A deficiency. Last evaluated: 2022-03-12. Review status: criteria provided, single submitter. Criteria: Invitae Variant Classification Sherloc (09022015). Collection method: clinical testing. Allele origin: germline.
Comment: This sequence change falls in intron 17 of the CPT1A gene. It does not directly change the encoded amino acid sequence of the CPT1A protein. It affects a nucleotide within the consensus splice site. This variant is present in population databases (rs777779540, gnomAD 0.003%). This variant has not been reported in the literature in individuals affected with CPT1A-related conditions. ClinVar contains an entry for this variant (Variation ID: 1018533). Variants that disrupt the consensus splice site are a relatively common cause of aberrant splicing (PMID: 17576681, 9536098). Algorithms developed to predict the effect of sequence changes on RNA splicing suggest that this variant may create or strengthen a splice site. In summary, the available evidence is currently insufficient to determine the role of this variant in disease. Therefore, it has been classified as a Variant of Uncertain Significance.

Natera, Inc.
Classification: Uncertain significance for Carnitine palmitoyltransferase type I deficiency. Last evaluated: 2020-12-03. Review status: no assertion criteria provided. Collection method: clinical testing. Allele origin: germline. Not counted in ClinVar's aggregate classification.

Literature cited by the submitters: PubMed 17576681 (cited by Labcorp Genetics (formerly Invitae), Labcorp); PubMed 9536098 (cited by Labcorp Genetics (formerly Invitae), Labcorp).

NM_001876.4(CPT1A):c.2142+6T>C

Gene: CPT1A (carnitine palmitoyltransferase 1A; minus strand). Cytogenetic location: 11q13.3.
Variant type: single nucleotide variant.
Coding change: c.2142+6T>C on transcript NM_001876.4 (MANE Select); 6 bases into the intron after coding-DNA position 2142, T replaced by C.
Molecular consequence: intron variant.
Genome position (GRCh38, 1-based): chr11:68,760,219, A>G on the plus strand (T>C on the coding strand, the complement: CPT1A is on the minus strand). VCF-style: chr11-68760219-A-G. GRCh37 (hg19) VCF-style: chr11-68527687-A-G.
Other names: c.2142+6T>C (NM_001031847.3, NM_001876.3).
Identifiers: ClinVar variation 1018533 (VCV001018533.8), dbSNP rs777779540, ClinGen allele CA6152086.